The following is an entry in ClinVar:

ClinVar aggregate classification (germline): Pathogenic (1 of 4 stars; one submission).

Conditions:
Autosomal recessive polycystic kidney disease (ARPKD). Also called: AR polycystic kidney disease. Identifiers: Orphanet 731, Orphanet 8378, MedGen C0085548, MeSH D017044, MONDO:0009889.

Submission:

Labcorp Genetics (formerly Invitae), Labcorp
Classification: Pathogenic for Autosomal recessive polycystic kidney disease. Last evaluated: 2021-09-10. Review status: criteria provided, single submitter. Criteria: Invitae Variant Classification Sherloc (09022015). Collection method: clinical testing. Allele origin: germline.
Comment: This sequence change creates a premature translational stop signal (p.Gln687*) in the PKHD1 gene. It is expected to result in an absent or disrupted protein product. Loss-of-function variants in PKHD1 are known to be pathogenic (PMID: 19940839). This variant is not present in population databases (ExAC no frequency). This variant has not been reported in the literature in individuals affected with PKHD1-related conditions. For these reasons, this variant has been classified as Pathogenic.

Literature cited by the submitters: PubMed 19940839.

NM_138694.4(PKHD1):c.2059C>T (p.Gln687Ter)

Gene: PKHD1 (PKHD1 ciliary IPT domain containing fibrocystin/polyductin; minus strand). Cytogenetic location: 6p12.2.
Variant type: single nucleotide variant.
Coding change: c.2059C>T on transcript NM_138694.4 (MANE Select); coding-DNA position 2059, C replaced by T.
Protein change: p.Gln687Ter; replaces glutamine 687 with a stop codon.
Molecular consequence: nonsense.
Genome position (GRCh38, 1-based): chr6:52,053,157, G>A on the plus strand (C>T on the coding strand, the complement: PKHD1 is on the minus strand). VCF-style: chr6-52053157-G-A. GRCh37 (hg19) VCF-style: chr6-51917955-G-A.
Other names: c.2059C>T, p.Gln687Ter (NM_170724.3); short protein forms Q687*.
Identifiers: ClinVar variation 1352256 (VCV001352256.6), dbSNP rs2128203606, ClinGen allele CA364444239.
Genomic context (GRCh38, chr6:52,053,157, plus strand): 5'-TAATAATTTCATCCACATAGAACAGGCCCGTCTCCTGGGCCAGAGGGAGAAGGTTGATCT[G>A]ATGAACCAGCACTGGGGAGTTTGCCGGAGGGGGCTGGAGATCCCCGAAGCAACGCACACA-3'